The following is an entry in ClinVar:

ClinVar aggregate classification (germline): Conflicting classifications of pathogenicity. Review status: criteria provided, conflicting classifications (1 of 4 stars). 6 submissions from 6 submitters: Pathogenic (2); Likely pathogenic (2); Uncertain significance (2). Last evaluated 2025-12-08.

Conditions:
Hereditary leiomyomatosis and renal cell cancer. Also called: MULTIPLE CUTANEOUS AND UTERINE LEIOMYOMATA 1, WITH OR WITHOUT RENAL CELL CARCINOMA; Reed syndrome; Multiple cutaneous and uterine leiomyomatosis; Cutaneous leiomyomata with uterine leiomyomata; Leiomyoma, hereditary multiple, of skin; Multiple cutaneous and uterine leiomyomata. Identifiers: Orphanet 523, MedGen C1708350, MONDO:0007888, OMIM 150800, HP:0007437. Disease mechanism: loss of function.
Fumarase deficiency (FMRD). Also called: Fumarate Hydratase Deficiency; Fumaric aciduria. Identifiers: Orphanet 24, MedGen C0342770, MONDO:0011730, OMIM 606812.
Hereditary cancer-predisposing syndrome. Also called: Hereditary Cancer Syndrome; Tumor predisposition; Neoplastic Syndromes, Hereditary; Hereditary neoplastic syndrome. Identifiers: Orphanet 140162, MedGen C0027672, MeSH D009386, MONDO:0015356.

gnomAD v4.1: 3 of 1,547,492 alleles (0.00019%); highest among the groups gnomAD compares: Non-Finnish European, 0.00026%; no homozygotes.

Submissions (6):

Labcorp Genetics (formerly Invitae), Labcorp
Classification: Pathogenic. Last evaluated: 2025-12-08. Review status: criteria provided, single submitter. Criteria: Invitae Variant Classification Sherloc (09022015). Collection method: clinical testing. Allele origin: germline.
Comment: This sequence change creates a premature translational stop signal (p.Arg43*) in the FH gene. FH has two initiator codons, p.Met1 and p.Met44, which result in two different functional isoforms that localize to the mitochondria and cytosol, respectively (PMID: 21929734, 27037871). Loss-of-function variants in FH are known to be pathogenic (PMID: 11865300, 21398687). Variants affecting the mitochondrial isoform confer risk for fumarate hydratase deficiency, while variants that affect the cytosolic isoform confer risk for FH tumor predisposition syndrome. This variant is not present in population databases (gnomAD no frequency). This variant has not been reported in the literature in individuals affected with FH-related conditions. ClinVar contains an entry for this variant (Variation ID: 644260). This variant disrupts the mitochondria-targeting sequence (MTS) of the FH protein, which is important for protein import into the mitochondria (PMID: 27037871). This suggests that disruption of this region is causative of fumarate hydratase deficiency. For these reasons, this variant has been classified as Pathogenic for autosomal recessive fumarate hydratase deficiency. However, this variant is not likely to confer risk for autosomal dominant FH tumor predisposition syndrome.

Ambry Genetics
Classification: Uncertain significance for Hereditary cancer-predisposing syndrome. Last evaluated: 2025-03-11. Review status: criteria provided, single submitter. Criteria: Ambry Variant Classification Scheme 2023. Collection method: clinical testing. Allele origin: germline.
Comment: The p.R43* variant (also known as c.127C>T), located in coding exon 1 of the FH gene, results from a C to T substitution at nucleotide position 127. This changes the amino acid from an arginine to a stop codon within coding exon 1. The predicted stop codon occurs in the 5&rsquo; end of the FH gene. Premature termination codons in the 5&rsquo; end of a gene have been reported to escape nonsense-mediated mRNA decay and/or lead to re-initiation (Rivas et al. Science. 2015 May 8;348(6235):666-9; Lindeboom et al. Nat Genet. 2016 Oct;48(10):1112-8; Rhee et al. Sci Rep. 2017 May 10;7(1):1653). Direct evidence for this alteration is unavailable. However, there is a second in-frame methionine at p.M44. Proteins initiated from the first methionine are targeted to the mitochondrion while proteins initiated from the second methionine are targeted to the cytoplasm due to the lack of the mitochondrial targeting sequence encoded between them (Dik E et al. Traffic, 2016 Jul;17:720-32; Magrane M et al., Database (Oxford) 2011). Data suggest that it is the cytoplasmic protein that conveys the tumor suppressor function of FH (Yogev O et al. PLoS Biol., 2010 Mar;8:e1000328). This alteration and others that are expected to adversely affect the protein before the second methionine, have been observed in numerous individuals who do not have a personal or family history that is consistent with or suggestive of HLRCC (Ambry internal data). The clinical impact of this variant in terms of autosomal recessive Fumarase Deficiency is also unclear due to the lack of this variant being associated with this autosomal recessive disease in the literature and internally. Based on the available evidence, the clinical significance of this variant remains unclear.

Fulgent Genetics
Classification: Likely pathogenic for Hereditary leiomyomatosis and renal cell cancer; Fumarase deficiency. Last evaluated: 2024-02-01. Review status: criteria provided, single submitter. Criteria: ACMG Guidelines, 2015. Collection method: clinical testing. Allele origin: germline.

GeneDx
Classification: Uncertain significance. Last evaluated: 2023-10-26. Review status: criteria provided, single submitter. Criteria: GeneDx Variant Classification Process June 2021. Collection method: clinical testing. Allele origin: germline. Affected: yes.
Comment: Nonsense variant in a gene for which loss-of-function is a known mechanism of disease; however, a downstream in-frame ATG could serve as an alternate initiator codon (Dik et al., 2016); Has not been previously published as pathogenic or benign to our knowledge; This variant is associated with the following publications: (PMID: 27037871, 21929734, 21398687, 11865300)

Baylor Genetics
Classification: Likely pathogenic for Fumarase deficiency. Last evaluated: 2023-02-27. Review status: criteria provided, single submitter. Criteria: ACMG Guidelines, 2015. Collection method: clinical testing. Allele origin: unknown.

Clinical Genetics Laboratory, Skane University Hospital Lund
Classification: Pathogenic. Last evaluated: 2022-05-27. Review status: criteria provided, single submitter. Criteria: ACMG Guidelines, 2015. Collection method: clinical testing. Allele origin: germline. Affected: yes.

Literature cited by the submitters: PubMed 21929734 (cited by Labcorp Genetics (formerly Invitae), Labcorp); PubMed 27037871 (cited by Labcorp Genetics (formerly Invitae), Labcorp); PubMed 11865300 (cited by Labcorp Genetics (formerly Invitae), Labcorp); PubMed 21398687 (cited by Labcorp Genetics (formerly Invitae), Labcorp).

NM_000143.4(FH):c.127C>T (p.Arg43Ter)

Gene: FH (fumarate hydratase; minus strand). Cytogenetic location: 1q43.
Variant type: single nucleotide variant.
Coding change: c.127C>T on transcript NM_000143.4 (MANE Select); coding-DNA position 127, C replaced by T.
Protein change: p.Arg43Ter; replaces arginine 43 with a stop codon.
Molecular consequence: nonsense.
Genome position (GRCh38, 1-based): chr1:241,519,596, G>A on the plus strand (C>T on the coding strand, the complement: FH is on the minus strand). VCF-style: chr1-241519596-G-A. GRCh37 (hg19) VCF-style: chr1-241682896-G-A.
Other names: short protein forms R43*.
Identifiers: ClinVar variation 644260 (VCV000644260.16), dbSNP rs200496951, ClinGen allele CA40337895.